The following is an entry in ClinVar:

NM_032888.4(COL27A1):c.3893G>T (p.Arg1298Leu)

Gene: COL27A1 (collagen type XXVII alpha 1 chain; plus strand). Cytogenetic location: 9q32.
Variant type: single nucleotide variant.
Coding change: c.3893G>T on transcript NM_032888.4 (MANE Select); coding-DNA position 3893, G replaced by T.
Protein change: p.Arg1298Leu; replaces arginine 1298 with leucine.
Molecular consequence: missense variant.
Genome position (GRCh38, 1-based): chr9:114,283,722, G>T. VCF-style: chr9-114283722-G-T. GRCh37 (hg19) VCF-style: chr9-117046002-G-T.
Other names: short protein forms R1298L.
Identifiers: ClinVar variation 1437376 (VCV001437376.5), dbSNP rs201438078, ClinGen allele CA5202667.
Genomic context (GRCh38, chr9:114,283,722, plus strand): 5'-CTGTGAGAGCCACACTCCATACCAACGAGGGTCTCCTCCTCTTGTAGGGTGCTCCGGGAC[G>T]CATGGGGGCCCAAGGAGAACCGGGACTGGCTGGTTATGATGTAAGCAGATATCACCTCAC-3'
Protein context (NP_116277.2, residues 1288-1308): GSLGPTGAPG[Arg1298Leu]MGAQGEPGLA

ClinVar aggregate classification (germline): Uncertain significance (1 of 4 stars; one submission).

Allele frequency attached by ClinVar (database versions not stated): gnomAD 0.00002 and 0.00003; ExAC 0.00003.
gnomAD v4.1: 16 of 1,613,914 alleles (0.00099%); highest among the groups gnomAD compares: Admixed American, 0.027%; no homozygotes.

Submission:

Labcorp Genetics (formerly Invitae), Labcorp
Classification: Uncertain significance. Last evaluated: 2022-05-15. Review status: criteria provided, single submitter. Criteria: Invitae Variant Classification Sherloc (09022015). Collection method: clinical testing. Allele origin: germline.
Comment: This sequence change replaces arginine, which is basic and polar, with leucine, which is neutral and non-polar, at codon 1298 of the COL27A1 protein (p.Arg1298Leu). This variant is present in population databases (rs201438078, gnomAD 0.03%). This variant has not been reported in the literature in individuals affected with COL27A1-related conditions. Advanced modeling of protein sequence and biophysical properties (such as structural, functional, and spatial information, amino acid conservation, physicochemical variation, residue mobility, and thermodynamic stability) performed at Invitae indicates that this missense variant is not expected to disrupt COL27A1 protein function. In summary, the available evidence is currently insufficient to determine the role of this variant in disease. Therefore, it has been classified as a Variant of Uncertain Significance.